The following is an entry in ClinVar:

ClinVar aggregate classification (germline): Benign (1 of 4 stars; one submission).

Conditions:
ARHGAP29-related disorder. Also called: ARHGAP29-Related Disorders; ARHGAP29-related condition.

gnomAD v4.1: 1,704 of 1,614,162 alleles (0.11%); highest among the groups gnomAD compares: South Asian, 1.8%; 32 homozygotes.

Submission:

PreventionGenetics, part of Exact Sciences
Classification: Benign for ARHGAP29-related condition. Last evaluated: 2025-01-02. Review status: criteria provided, single submitter. Criteria: ACMG Guidelines, 2015. Collection method: clinical testing. Allele origin: germline.
Comment: This variant is classified as benign based on ACMG/AMP sequence variant interpretation guidelines (Richards et al. 2015 PMID: 25741868, with internal and published modifications).

NM_004815.4(ARHGAP29):c.3082G>C (p.Ala1028Pro)

Gene: ARHGAP29 (Rho GTPase activating protein 29; minus strand). Cytogenetic location: 1p22.1.
Variant type: single nucleotide variant.
Coding change: c.3082G>C on transcript NM_004815.4 (MANE Select); coding-DNA position 3082, G replaced by C.
Protein change: p.Ala1028Pro; replaces alanine 1028 with proline.
Molecular consequence: missense variant.
Genome position (GRCh38, 1-based): chr1:94,174,573, C>G on the plus strand (G>C on the coding strand, the complement: ARHGAP29 is on the minus strand). VCF-style: chr1-94174573-C-G. GRCh37 (hg19) VCF-style: chr1-94640129-C-G.
Other names: c.3082G>C, p.Ala1028Pro (NM_001328664.2); c.2890G>C, p.Ala964Pro (NM_001328665.2, NM_001328667.2); c.3055G>C, p.Ala1019Pro (NM_001328666.2); short protein forms A964P, A1019P, A1028P.
Identifiers: ClinVar variation 4979935 (VCV004979935.1).